The following is an entry in ClinVar:

NM_000238.4(KCNH2):c.134_135insGTC (p.Asn45delinsLysSer)

Gene: KCNH2 (potassium voltage-gated channel subfamily H member 2; minus strand). Cytogenetic location: 7q36.1.
Variant type: Insertion.
Coding change: c.134_135insGTC on transcript NM_000238.4 (MANE Select); coding-DNA positions 134 to 135, GTC inserted.
Protein change: p.Asn45delinsLysSer.
Molecular consequence: inframe indel. On other transcripts: 5 prime UTR variant (1), non-coding transcript variant (1).
Genome position: GRCh38 VCF-style: chr7-150974883-G-GGAC. GRCh37 (hg19) VCF-style: chr7-150671971-G-GGAC.
Other names: c.-44_-43insGTC (NM_001406755.1); c.134_135insGTC, p.Asn45delinsLysSer (NM_172056.3).
Identifiers: ClinVar variation 4074721 (VCV004074721.1).

ClinVar aggregate classification (germline): Likely pathogenic (1 of 4 stars; one submission).

Conditions:
Long QT syndrome 2 (LQT2). Identifiers: Orphanet 101016, Orphanet 768, MedGen C3150943, MONDO:0013367, OMIM 613688.

Submission:

Institute of Immunology and Genetics Kaiserslautern
Classification: Likely pathogenic for Long QT syndrome 2. Last evaluated: 2025-05-07. Review status: criteria provided, single submitter. Criteria: ACMG Guidelines, 2015. Collection method: clinical testing. Allele origin: germline. Affected: yes.
Comment: ACMG Criteria: PM1, PM2, PM4; Variant was found in heterozygous state.